The following is an entry in ClinVar:

NM_000545.8(HNF1A):c.1502-2A>G

Gene: HNF1A (HNF1 homeobox A; plus strand). Cytogenetic location: 12q24.31.
Variant type: single nucleotide variant.
Coding change: c.1502-2A>G on transcript NM_000545.8 (MANE Select); the canonical splice acceptor site of the intron before coding-DNA position 1502, A replaced by G.
Molecular consequence: splice acceptor variant.
Genome position (GRCh38, 1-based): chr12:120,999,266, A>G. VCF-style: chr12-120999266-A-G. GRCh37 (hg19) VCF-style: chr12-121437069-A-G.
Other names: c.1502-2A>G (NM_001306179.2); c.1310-2A>G (NM_001406915.1).
Identifiers: ClinVar variation 3721199 (VCV003721199.2).
Genomic context (GRCh38, chr12:120,999,266, plus strand): 5'-GGCCTGGGACTAGGGCTGTCAGGCACGTCTGCCACGTCTGCCCCTCTCTCCCCTGCGGCC[A>G]GCCCTCTACAGCCACAAGCCCGAGGTGGCCCAGTACACCCACACGGGCCTGCTCCCGCAG-3'

ClinVar aggregate classification (germline): Likely pathogenic (1 of 4 stars; one submission).

Submission:

Labcorp Genetics (formerly Invitae), Labcorp
Classification: Likely pathogenic. Last evaluated: 2024-09-29. Review status: criteria provided, single submitter. Criteria: Invitae Variant Classification Sherloc (09022015). Collection method: clinical testing. Allele origin: germline.
Comment: This sequence change affects an acceptor splice site in intron 7 of the HNF1A gene. It is expected to disrupt RNA splicing. Variants that disrupt the donor or acceptor splice site typically lead to a loss of protein function (PMID: 16199547), and loss-of-function variants in HNF1A are known to be pathogenic (PMID: 15928245, 18003757). This variant is not present in population databases (gnomAD no frequency). Disruption of this splice site has been observed in individual(s) with clinical features of HNF1A-related conditions (PMID: 18003757). Algorithms developed to predict the effect of sequence changes on RNA splicing suggest that this variant may disrupt the consensus splice site. In summary, the currently available evidence indicates that the variant is pathogenic, but additional data are needed to prove that conclusively. Therefore, this variant has been classified as Likely Pathogenic.

Literature cited by the submitters: PubMed 16199547; PubMed 15928245; PubMed 18003757.